The following is an entry in ClinVar:

ClinVar aggregate classification (germline): Uncertain significance (1 of 4 stars; one submission).

Allele frequency attached by ClinVar (database versions not stated): gnomAD exomes below 0.00001; TOPMed below 0.00001.
gnomAD v4.1: 5 of 1,614,024 alleles (0.00031%); highest among the groups gnomAD compares: South Asian, 0.0022%; no homozygotes.

Submission:

GeneDx
Classification: Uncertain significance. Last evaluated: 2019-07-19. Review status: criteria provided, single submitter. Criteria: GeneDx Variant Classification Process June 2021. Collection method: clinical testing. Allele origin: germline. Affected: yes.
Comment: Not observed at a significant frequency in large population cohorts (Lek et al., 2016); In silico analysis, which includes protein predictors and evolutionary conservation, supports a deleterious effect

NM_003922.4(HERC1):c.355A>G (p.Asn119Asp)

Gene: HERC1 (HECT and RLD domain containing E3 ubiquitin protein ligase family member 1; minus strand). Cytogenetic location: 15q22.31.
Variant type: single nucleotide variant.
Coding change: c.355A>G on transcript NM_003922.4 (MANE Select); coding-DNA position 355, A replaced by G.
Protein change: p.Asn119Asp; replaces asparagine 119 with aspartic acid.
Molecular consequence: missense variant.
Genome position (GRCh38, 1-based): chr15:63,775,269, T>C on the plus strand (A>G on the coding strand, the complement: HERC1 is on the minus strand). VCF-style: chr15-63775269-T-C. GRCh37 (hg19) VCF-style: chr15-64067468-T-C.
Other names: short protein forms N119D.
Identifiers: ClinVar variation 1203266 (VCV001203266.3), dbSNP rs992444674, ClinGen allele CA272111634.